The following is an entry in ClinVar:

NM_145059.3(FCSK):c.2102C>T (p.Pro701Leu)

Gene: FCSK (fucose kinase; plus strand). Cytogenetic location: 16q22.1.
Variant type: single nucleotide variant.
Coding change: c.2102C>T on transcript NM_145059.3 (MANE Select); coding-DNA position 2102, C replaced by T.
Protein change: p.Pro701Leu; replaces proline 701 with leucine.
Molecular consequence: missense variant.
Genome position (GRCh38, 1-based): chr16:70,474,641, C>T. VCF-style: chr16-70474641-C-T. GRCh37 (hg19) VCF-style: chr16-70508544-C-T.
Other names: c.2102C>T (NM_145059.2); short protein forms P701L.
Identifiers: ClinVar variation 1682386 (VCV001682386.13), dbSNP rs17883716, ClinGen allele CA8143492.

ClinVar aggregate classification (germline): Benign/Likely benign. Review status: criteria provided, multiple submitters, no conflicts (2 of 4 stars). 4 submissions from 4 submitters: Benign (2); Likely benign (1). 1 of the submissions does not count toward it. Last evaluated 2026-06-01.

Conditions:
FCSK-related disorder. Also called: FCSK-related condition.

Allele frequency attached by ClinVar (database versions not stated): 1000 Genomes Project 0.00040; 1000 Genomes Project 30x 0.00047; gnomAD 0.00156 and 0.00164; gnomAD exomes 0.00156 and 0.00200; TOPMed 0.00176; ESP Exome Variant Server 0.00224; ExAC 0.00277.

Submissions (4):

CeGaT Center for Human Genetics Tuebingen
Classification: Likely benign. Last evaluated: 2026-06-01. Review status: criteria provided, single submitter. Criteria: CeGaT Center For Human Genetics Tuebingen Variant Classification Criteria Version 2. Collection method: clinical testing. Allele origin: germline. Affected: yes. Observed: 1 variant allele.
Comment: FCSK: BP4, BS2

Labcorp Genetics (formerly Invitae), Labcorp
Classification: Benign. Last evaluated: 2025-12-08. Review status: criteria provided, single submitter. Criteria: Invitae Variant Classification Sherloc (09022015). Collection method: clinical testing. Allele origin: germline.

Breakthrough Genomics
Classification: Benign. Review status: criteria provided, single submitter. Criteria: ACMG Guidelines, 2015. Collection method: not provided. Allele origin: germline. Inheritance: Autosomal recessive inheritance. Affected: yes.

PreventionGenetics, part of Exact Sciences
Classification: Benign for FCSK-related condition. Last evaluated: 2019-07-11. Review status: no assertion criteria provided. Collection method: clinical testing. Allele origin: germline. Not counted in ClinVar's aggregate classification.
Comment: This variant is classified as benign based on ACMG/AMP sequence variant interpretation guidelines (Richards et al. 2015 PMID: 25741868, with internal and published modifications).